The following is an entry in ClinVar:

NM_001287.6(CLCN7):c.994A>G (p.Met332Val)

Gene: CLCN7 (Cl-/H+ antiporter 7; minus strand). Cytogenetic location: 16p13.3.
Variant type: single nucleotide variant.
Coding change: c.994A>G on transcript NM_001287.6 (MANE Select); coding-DNA position 994, A replaced by G.
Protein change: p.Met332Val; replaces methionine 332 with valine.
Molecular consequence: missense variant.
Genome position (GRCh38, 1-based): chr16:1,455,238, T>C on the plus strand (A>G on the coding strand, the complement: CLCN7 is on the minus strand). VCF-style: chr16-1455238-T-C. GRCh37 (hg19) VCF-style: chr16-1505239-T-C.
Other names: c.922A>G, p.Met308Val (NM_001114331.3); short protein forms M308V, M332V.
Identifiers: ClinVar variation 1526273 (VCV001526273.3), dbSNP rs2142378539, ClinGen allele CA394189902.
Genomic context (GRCh38, chr16:1,455,238, plus strand): 5'-GGTCCCACATGTTCCCGTGGTAAATGCTCAGAACAAAATTCAGGGTGAACGTGGAGATCA[T>C]GGAAGCAAAGAACTGCGGCAGAGGGCAGGAAACCAGCGCCCTCAGAGCCACGCTCCCAGC-3'
Protein context (NP_001278.1, residues 322-342): FLTWRIFFAS[Met332Val]ISTFTLNFVL

ClinVar aggregate classification (germline): Likely pathogenic (1 of 4 stars; one submission).

Conditions:
Autosomal dominant osteopetrosis 2. Also called: ALBERS-SCHONBERG DISEASE, AUTOSOMAL DOMINANT; MARBLE BONES, AUTOSOMAL DOMINANT; OSTEOSCLEROSIS FRAGILIS GENERALISATA; Autosomal Dominant Osteopetrosis Type II (ADOII); Osteopetroses; Marble bones. Identifiers: Orphanet 53, MedGen C3179239, MONDO:0008156, OMIM 166600.

Allele frequency attached by ClinVar (database versions not stated): gnomAD exomes below 0.00001.

Submission:

Dasa
Classification: Likely pathogenic for Autosomal dominant osteopetrosis 2. Last evaluated: 2022-03-25. Review status: criteria provided, single submitter. Criteria: ACMG Guidelines, 2015. Collection method: clinical testing. Allele origin: germline. Affected: yes. Observed: 1 variant allele.
Comment: The c.994A>G;p.(Met332Val) missense change has been observed in affected individual(s) (PMID: 19238435; PMID: 14584882)-PS4_supporting. The variant is located in a mutational hot spot and/or critical and well-established functional domain (Voltage_CLC) - PM1. This variant is not present in population databases (- gnomAD; ABraOM no frequency.) - PM2. The p.(Met332Val) was detected in trans with a pathogenic variant (PMID: 19238435) and was detected in a homozygous state in the analyzed sample - PM3. In summary, the currently available evidence indicates that the variant is likely pathogenic

Literature cited by the submitters: PubMed 19238435; PubMed 14584882.